The following is an entry in ClinVar:

ClinVar aggregate classification (germline): Uncertain significance (1 of 4 stars; one submission).

Conditions:
3-hydroxy-3-methylglutaryl-CoA synthase deficiency (HMGCS2D). Also called: HMGCS2 DEFICIENCY; MITOCHONDRIAL HMG-CoA SYNTHASE DEFICIENCY; HMG-CoA synthase-2 deficiency. Identifiers: Orphanet 35701, MedGen C2751532, MONDO:0011614, OMIM 605911.

Submission:

Labcorp Genetics (formerly Invitae), Labcorp
Classification: Uncertain significance for mitochondrial 3-hydroxy-3-methylglutaryl-CoA synthase deficiency. Last evaluated: 2019-09-06. Review status: criteria provided, single submitter. Criteria: Invitae Variant Classification Sherloc (09022015). Collection method: clinical testing. Allele origin: germline.
Comment: This sequence change replaces serine with proline at codon 272 of the HMGCS2 protein (p.Ser272Pro). The serine residue is weakly conserved and there is a moderate physicochemical difference between serine and proline. This variant is not present in population databases (ExAC no frequency). This variant has not been reported in the literature in individuals with HMGCS2-related conditions. Algorithms developed to predict the effect of missense changes on protein structure and function (SIFT, PolyPhen-2, Align-GVGD) all suggest that this variant is likely to be tolerated, but these predictions have not been confirmed by published functional studies and their clinical significance is uncertain. In summary, the available evidence is currently insufficient to determine the role of this variant in disease. Therefore, it has been classified as a Variant of Uncertain Significance.

NM_005518.4(HMGCS2):c.814T>C (p.Ser272Pro)

Gene: HMGCS2 (3-hydroxy-3-methylglutaryl-CoA synthase 2; minus strand). Cytogenetic location: 1p12.
Variant type: single nucleotide variant.
Coding change: c.814T>C on transcript NM_005518.4 (MANE Select); coding-DNA position 814, T replaced by C.
Protein change: p.Ser272Pro; replaces serine 272 with proline.
Molecular consequence: missense variant.
Genome position (GRCh38, 1-based): chr1:119,759,154, A>G on the plus strand (T>C on the coding strand, the complement: HMGCS2 is on the minus strand). VCF-style: chr1-119759154-A-G. GRCh37 (hg19) VCF-style: chr1-120301777-A-G.
Other names: c.688T>C, p.Ser230Pro (NM_001166107.1); short protein forms S230P, S272P.
Identifiers: ClinVar variation 954540 (VCV000954540.1), dbSNP rs1571037413, ClinGen allele CA341861877.